The following is an entry in ClinVar:

NM_000038.6(APC):c.5663A>C (p.Lys1888Thr)

Gene: APC (APC regulator of Wnt signaling pathway; plus strand). Cytogenetic location: 5q22.2.
Variant type: single nucleotide variant.
Coding change: c.5663A>C on transcript NM_000038.6 (MANE Select); coding-DNA position 5663, A replaced by C.
Protein change: p.Lys1888Thr; replaces lysine 1888 with threonine.
Molecular consequence: missense variant. On other transcripts: non-coding transcript variant (2).
Genome position (GRCh38, 1-based): chr5:112,841,257, A>C. VCF-style: chr5-112841257-A-C. GRCh37 (hg19) VCF-style: chr5-112176954-A-C.
Other names: c.5717A>C, p.Lys1906Thr (NM_001354896.2, NM_001407447.1, NM_001407448.1 and 1 more transcripts); c.5693A>C, p.Lys1898Thr (NM_001354897.2); c.5588A>C, p.Lys1863Thr (NM_001354898.2); c.5579A>C, p.Lys1860Thr (NM_001354899.2); c.5540A>C, p.Lys1847Thr (NM_001354900.2); c.5486A>C, p.Lys1829Thr (NM_001354901.2, NM_001407453.1); c.5390A>C, p.Lys1797Thr (NM_001354902.2); c.5360A>C, p.Lys1787Thr (NM_001354903.2, NM_001407458.1, NM_001407459.1 and 1 more transcripts); and 11 more; short protein forms K1762T, K1805T, K1829T, K1847T, K1878T, K1888T, K1605T, K1759T.
Identifiers: ClinVar variation 3882528 (VCV003882528.1).
Genomic context (GRCh38, chr5:112,841,257, plus strand): 5'-ATGATGATGATGTTGACCTTTCCAGGGAAAAGGCTGAATTAAGAAAGGCAAAAGAAAATA[A>C]GGAATCAGAGGCTAAAGTTACCAGCCACACAGAACTAACCTCCAACCAACAATCAGCTAA-3'
Protein context (NP_000029.2, residues 1878-1898): KAELRKAKEN[Lys1888Thr]ESEAKVTSHT

ClinVar aggregate classification (germline): Uncertain significance (1 of 4 stars; one submission).

Conditions:
Hereditary cancer-predisposing syndrome. Also called: Tumor predisposition; Neoplastic Syndromes, Hereditary; Hereditary Cancer Syndrome; Hereditary neoplastic syndrome. Identifiers: Orphanet 140162, MedGen C0027672, MeSH D009386, MONDO:0015356.

gnomAD v4.1: 1 of 1,613,752 alleles (0.000062%); highest among the groups gnomAD compares: South Asian, 0.0011%; no homozygotes.

Submission:

Ambry Genetics
Classification: Uncertain significance for Hereditary cancer-predisposing syndrome. Last evaluated: 2025-02-21. Review status: criteria provided, single submitter. Criteria: Ambry Variant Classification Scheme 2023. Collection method: clinical testing. Allele origin: germline.
Comment: The p.K1888T variant (also known as c.5663A>C), located in coding exon 15 of the APC gene, results from an A to C substitution at nucleotide position 5663. The lysine at codon 1888 is replaced by threonine, an amino acid with similar properties. This amino acid position is conserved. In addition, in silico predictors for this gene do not accurately predict pathogenicity. Based on the available evidence, the clinical significance of this variant remains unclear.